The following is an entry in ClinVar:

ClinVar aggregate classification (germline): Uncertain significance (1 of 4 stars; one submission).

Submission:

Laboratory for Molecular Medicine, Mass General Brigham Personalized Medicine
Classification: Uncertain significance. Last evaluated: 2018-05-02. Review status: criteria provided, single submitter. Criteria: LMM Criteria. Collection method: clinical testing. Allele origin: germline. Observed: 1 variant allele.
Comment: The p.Gln408Glu variant in LAMP2 has not been previously reported in individuals with cardiomyopathy or in large population studies. Computational prediction to ols and conservation analysis suggest that this variant may not impact the prote in but these data are insufficient to rule out a role in disease. In summary, th e clinical significance of the p.Gln408Glu variant is uncertain. ACMG/AMP Criter ia applied: PM2; BP4.

NM_002294.3(LAMP2):c.1093+2565C>G

Gene: LAMP2 (lysosomal associated membrane protein 2; minus strand). Cytogenetic location: Xq24.
Variant type: single nucleotide variant.
Coding change: c.1093+2565C>G on transcript NM_002294.3 (MANE Select); 2565 bases into the intron after coding-DNA position 1093, C replaced by G.
Molecular consequence: intron variant. On other transcripts: missense variant (1).
Genome position (GRCh38, 1-based): chrX:120,439,165, G>C on the plus strand (C>G on the coding strand, the complement: LAMP2 is on the minus strand). VCF-style: chrX-120439165-G-C. GRCh37 (hg19) VCF-style: chrX-119573020-G-C.
Other names: c.1222C>G, p.Gln408Glu (NM_013995.2); c.1093+2565C>G (NM_001122606.1); short protein forms Q408E.
Identifiers: ClinVar variation 228788 (VCV000228788.4), dbSNP rs876657846, ClinGen allele CA10577154.